The following is an entry in ClinVar:

NM_000629.3(IFNAR1):c.1223C>T (p.Ala408Val)

Gene: IFNAR1 (interferon alpha and beta receptor subunit 1; plus strand). Cytogenetic location: 21q22.11.
Variant type: single nucleotide variant.
Coding change: c.1223C>T on transcript NM_000629.3 (MANE Select); coding-DNA position 1223, C replaced by T.
Protein change: p.Ala408Val; replaces alanine 408 with valine.
Molecular consequence: missense variant.
Genome position (GRCh38, 1-based): chr21:33,352,837, C>T. VCF-style: chr21-33352837-C-T. GRCh37 (hg19) VCF-style: chr21-34725143-C-T.
Other names: c.1223C>T, p.Ala408Val (NM_001384498.1, NM_001384499.1, NM_001384503.1); c.461C>T, p.Ala154Val (NM_001384500.1); c.1208C>T, p.Ala403Val (NM_001384501.1); c.761C>T, p.Ala254Val (NM_001384502.1); c.1016C>T, p.Ala339Val (NM_001384504.1); c.1223C>T (NM_000629.2); short protein forms A408V, A254V, A154V, A339V, A403V.
Identifiers: ClinVar variation 1435946 (VCV001435946.7), dbSNP rs780837052, ClinGen allele CA10006699.

ClinVar aggregate classification (germline): Uncertain significance. Review status: criteria provided, multiple submitters, no conflicts (2 of 4 stars). 2 submissions from 2 submitters: Uncertain significance (2). Last evaluated 2024-11-24.

Allele frequency attached by ClinVar (database versions not stated): gnomAD 0.00001; gnomAD exomes 0.00001; ExAC 0.00002; TOPMed 0.00002.
gnomAD v4.1: 7 of 1,605,378 alleles (0.00044%); highest among the groups gnomAD compares: African/African-American, 0.0094%; no homozygotes.

Submissions (2):

Ambry Genetics
Classification: Uncertain significance. Last evaluated: 2024-11-24. Review status: criteria provided, single submitter. Criteria: Ambry Variant Classification Scheme 2023. Collection method: clinical testing. Allele origin: germline.

Labcorp Genetics (formerly Invitae), Labcorp
Classification: Uncertain significance. Last evaluated: 2023-06-13. Review status: criteria provided, single submitter. Criteria: Invitae Variant Classification Sherloc (09022015). Collection method: clinical testing. Allele origin: germline.
Comment: In summary, the available evidence is currently insufficient to determine the role of this variant in disease. Therefore, it has been classified as a Variant of Uncertain Significance. Algorithms developed to predict the effect of missense changes on protein structure and function output the following: SIFT: "Not Available"; PolyPhen-2: "Possibly Damaging"; Align-GVGD: "Not Available". The valine amino acid residue is found in multiple mammalian species, which suggests that this missense change does not adversely affect protein function. ClinVar contains an entry for this variant (Variation ID: 1435946). This variant has not been reported in the literature in individuals affected with IFNAR1-related conditions. This variant is present in population databases (rs780837052, gnomAD 0.02%). This sequence change replaces alanine, which is neutral and non-polar, with valine, which is neutral and non-polar, at codon 408 of the IFNAR1 protein (p.Ala408Val).